The following is an entry in ClinVar:

NM_000059.4(BRCA2):c.6443_6444del (p.Ser2148fs)

Gene: BRCA2 (BRCA2 DNA repair associated; plus strand). Cytogenetic location: 13q13.1.
Variant type: Microsatellite.
Coding change: c.6443_6444del on transcript NM_000059.4 (MANE Select); coding-DNA positions 6443 to 6444, 2 bases deleted (CT; older notation c.6443_6444delCT).
Protein change: p.Ser2148fs; shifts the reading frame from serine 2148.
Molecular consequence: frameshift variant.
Genome position (GRCh38, 1-based): chr13:32,340,798-32,340,799, CT deleted; deleting any 2 consecutive bases within chr13:32,340,796-32,340,799 gives the same sequence; the c. name uses the placement nearest the transcript's 3' end. VCF-style (leftmost placement, unchanged base first): chr13-32340795-ACT-A. GRCh37 (hg19) VCF-style: chr13-32914932-ACT-A.
Other names: 6671delCT; c.6443_6444delCT (NM_000059.3); short protein forms S2148fs.
Identifiers: ClinVar variation 52097 (VCV000052097.23), dbSNP rs80359589, ClinGen allele CA024040.
Genomic context (GRCh38, chr13:32,340,795, plus strand): 5'-GTAAAGAATTTAAATTATCAAATAACTTAAATGTTGAAGGTGGTTCTTCAGAAAATAATC[ACT>A]CTATTAAAGTTTCTCCATATCTCTCTCAATTTCAACAAGACAAACAACAGTTGGTATTAG-3'

ClinVar aggregate classification (germline): Pathogenic. Review status: reviewed by expert panel (3 of 4 stars). 10 submissions from 10 submitters: Pathogenic (1). 9 of the submissions do not count toward it. Last evaluated 2016-09-08.

Conditions:
Hereditary breast ovarian cancer syndrome. Also called: Hereditary breast and ovarian cancer syndrome; Hereditary breast and ovarian cancer; Hereditary breast and ovarian cancer syndrome (HBOC); Breast and ovarian cancer; Hereditary breast and/or ovarian cancer syndrome; BRCA1- and BRCA2-Associated Hereditary Breast and Ovarian Cancer. Identifiers: Orphanet 145, MedGen C0677776, MeSH D061325, MONDO:0003582. Disease mechanism: loss of function.
Hereditary cancer-predisposing syndrome. Also called: Neoplastic Syndromes, Hereditary; Tumor predisposition; Hereditary neoplastic syndrome; Hereditary Cancer Syndrome. Identifiers: Orphanet 140162, MedGen C0027672, MeSH D009386, MONDO:0015356.
Breast-ovarian cancer, familial, susceptibility to, 2 (BROVCA2). Also called: BRCA2 Hereditary Breast and Ovarian Cancer. Identifiers: Orphanet 145, MedGen C2675520, MONDO:0012933, OMIM 612555. Disease mechanism: loss of function.

Submissions (10):

Evidence-based Network for the Interpretation of Germline Mutant Alleles (ENIGMA)
Classification: Pathogenic for Breast-ovarian cancer, familial, susceptibility to, 2. Last evaluated: 2016-09-08. Review status: reviewed by expert panel. Criteria: ENIGMA BRCA1/2 Classification Criteria (2015). Collection method: curation. Allele origin: germline.
Comment: Variant allele predicted to encode a truncated non-functional protein.

Molecular Pathology, Peter Maccallum Cancer Centre
Classification: Pathogenic for Breast-ovarian cancer, familial, susceptibility to, 2. Last evaluated: 2025-04-01. Review status: criteria provided, single submitter. Criteria: ACMG Guidelines, 2015. Collection method: clinical testing. Allele origin: germline. Inheritance: Autosomal dominant inheritance. Not counted in ClinVar's aggregate classification.

Labcorp Genetics (formerly Invitae), Labcorp
Classification: Pathogenic for Hereditary breast ovarian cancer syndrome. Last evaluated: 2024-12-22. Review status: criteria provided, single submitter. Criteria: Invitae Variant Classification Sherloc (09022015). Collection method: clinical testing. Allele origin: germline. Not counted in ClinVar's aggregate classification.
Comment: This sequence change creates a premature translational stop signal (p.Ser2148Tyrfs*2) in the BRCA2 gene. It is expected to result in an absent or disrupted protein product. Loss-of-function variants in BRCA2 are known to be pathogenic (PMID: 20104584). This variant is not present in population databases (gnomAD no frequency). This premature translational stop signal has been observed in individual(s) with breast and/or ovarian cancer (PMID: 20104584, 29907814). This variant is also known as 6671delCT. For these reasons, this variant has been classified as Pathogenic.

Quest Diagnostics Nichols Institute San Juan Capistrano
Classification: Pathogenic. Last evaluated: 2024-07-29. Review status: criteria provided, single submitter. Criteria: Quest Diagnostics criteria. Collection method: clinical testing. Allele origin: unknown. Not counted in ClinVar's aggregate classification.
Comment: The BRCA2 c.6443_6444del (p.Ser2148Tyrfs*2) variant alters the translational reading frame of the BRCA2 mRNA and causes the premature termination of BRCA2 protein synthesis. This variant has been reported in the published literature in individuals with a personal or family history of breast and/or ovarian cancer (PMID: 35864222 (2022), 33461583 (2021), 29907814 (2018), 20104584 (2010), 18465347 (2008)). This variant has not been reported in large, multi-ethnic general populations (Genome Aggregation Database). Based on the available information, this variant is classified as pathogenic.

Department of Clinical Genetics, Copenhagen University Hospital, Rigshospitalet
Classification: Pathogenic for Breast-ovarian cancer, familial, susceptibility to, 2. Last evaluated: 2024-05-27. Review status: criteria provided, single submitter. Criteria: ACMG Guidelines, 2015. Collection method: clinical testing. Allele origin: germline. Affected: yes. Not counted in ClinVar's aggregate classification.
Comment: PVS1; PM2_supporting; PM5_PTC_Strong

Ambry Genetics
Classification: Pathogenic for Hereditary cancer-predisposing syndrome. Last evaluated: 2024-02-08. Review status: criteria provided, single submitter. Criteria: Ambry Variant Classification Scheme 2023. Collection method: clinical testing. Allele origin: germline. Not counted in ClinVar's aggregate classification.
Comment: The c.6443_6444delCT pathogenic mutation, located in coding exon 10 of the BRCA2 gene, results from a deletion of two nucleotides at nucleotide positions 6443 to 6444, causing a translational frameshift with a predicted alternate stop codon (p.S2148Yfs*2). This variant is considered to be rare based on population cohorts in the Genome Aggregation Database (gnomAD). This variant has been identified in patients with personal and/or family histories of breast and/or ovarian cancer (Thomassen M et al. Acta Oncol, 2008;47:772-7; Borg A et al. Hum Mutat, 2010 Mar;31:E1200-40; Yao L et al. J Hum Genet, 2022 Nov;67:639-642). This alteration is expected to result in loss of function by premature protein truncation or nonsense-mediated mRNA decay. As such, this alteration is interpreted as a disease-causing mutation.

Color Diagnostics, LLC DBA Color Health
Classification: Pathogenic for Hereditary cancer-predisposing syndrome. Last evaluated: 2022-02-22. Review status: criteria provided, single submitter. Criteria: ACMG Guidelines, 2015. Collection method: clinical testing. Allele origin: germline. Not counted in ClinVar's aggregate classification.
Comment: This variant deletes 2 nucleotides in exon 11 of the BRCA2 gene, creating a frameshift and premature translation stop signal. This variant is expected to result in an absent or non-functional protein product. This variant is also known as 6671delCT based on Breast Cancer Information Core (BIC) nomenclature. This variant has been reported in an individual affected with breast cancer (PMID: 20104584) and in high-risk hereditary breast and ovarian cancer individuals and families (PMID: 18465347, 29907814). This variant has not been identified in the general population by the Genome Aggregation Database (gnomAD). Loss of BRCA2 function is a known mechanism of disease. Based on the available evidence, this variant is classified as Pathogenic.

Consortium of Investigators of Modifiers of BRCA1/2 (CIMBA), c/o University of Cambridge
Classification: Pathogenic for Breast-ovarian cancer, familial, susceptibility to, 2. Last evaluated: 2015-10-02. Review status: criteria provided, single submitter. Criteria: CIMBA Mutation Classification guidelines May 2016. Collection method: clinical testing. Allele origin: germline. Not counted in ClinVar's aggregate classification.

GeneDx
Classification: Pathogenic. Last evaluated: 2015-04-23. Review status: criteria provided, single submitter. Criteria: GeneDx Variant Classification (06012015). Collection method: clinical testing. Allele origin: germline. Affected: yes. Not counted in ClinVar's aggregate classification.
Comment: This deletion of 4 nucleotides in BRCA2 is denoted c.6644_6647delACTC at the cDNA level and p.Tyr2215SerfsX13 (Y2215SfsX13) at the protein level. The normal sequence, with the bases that are deleted in braces, is ACTTA[ACTC]CAAA. The deletion causes a frameshift, which changes a Tyrosine to a Serine at codon 2215, and creates a premature stop codon at position 13 of the new reading frame. This variant is predicted to cause loss of normal protein function through either protein truncation or nonsense-mediated mRNA decay. BRCA2 c.6644_6647delACTC, previously reported as BRCA2 6671delCT, has been observed in Danish hereditary breast ovarian cancer families as well as in an individual with breast cancer (Thomassen 2008, Borg 2010). we consider this variant to be pathogenic.

Breast Cancer Information Core (BIC) (BRCA2)
Classification: Pathogenic for Breast-ovarian cancer, familial 2. Last evaluated: 2004-05-19. Review status: no assertion criteria provided. Collection method: clinical testing. Allele origin: germline. Affected: yes. Observed: 2 variant alleles. Not counted in ClinVar's aggregate classification.

Literature cited by the submitters: PubMed 20104584 (cited by 4 submitters); PubMed 29907814 (cited by 3 submitters); PubMed 18465347 (cited by 3 submitters); PubMed 35864222 (cited by Quest Diagnostics Nichols Institute San Juan Capistrano and Ambry Genetics); PubMed 33461583 (cited by Quest Diagnostics Nichols Institute San Juan Capistrano).